The following is an entry in ClinVar:

NC_000018.9:g.(?_42529826)_(42643663_?)dup

Gene: SETBP1 (SET binding protein 1; plus strand). Cytogenetic location: 18q12.3.
Variant type: Duplication.
Identifiers: ClinVar variation 1375834 (VCV001375834.5).

ClinVar aggregate classification (germline): Uncertain significance (1 of 4 stars; one submission).

Submission:

Labcorp Genetics (formerly Invitae), Labcorp
Classification: Uncertain significance. Last evaluated: 2023-07-17. Review status: criteria provided, single submitter. Criteria: Invitae Variant Classification Sherloc (09022015). Collection method: clinical testing. Allele origin: germline.
Comment: This variant results in a copy number gain of the genomic region encompassing exon(s) 4-6 of the SETBP1 gene. This region includes the termination codon of the gene. This copy number gain extends beyond the assayed region for this gene and therefore may encompass additional genes. As the precise location of this event is unknown, it may be in tandem or it may be located elsewhere in the genome. This variant has not been reported in the literature in individuals affected with SETBP1-related conditions. Experimental studies and prediction algorithms are not available or were not evaluated, and the functional significance of this variant is currently unknown. In summary, the available evidence is currently insufficient to determine the role of this variant in disease. Therefore, it has been classified as a Variant of Uncertain Significance.